The following is an entry in ClinVar:

ClinVar aggregate classification (germline): Uncertain significance (1 of 4 stars; one submission).

Conditions:
Autosomal dominant nonsyndromic hearing loss 3B. Identifiers: Orphanet 90635, MedGen C2675237, MONDO:0012975, OMIM 612643.
Autosomal recessive nonsyndromic hearing loss 1A (DFNB1A). Also called: Connexin 26 deafness; Deafness nonsyndromic, Connexin 26 linked; GJB6-Related DFNB 1 Nonsyndromic Hearing Loss and Deafness; Deafness, autosomal recessive 1A; Nonsyndromic Hearing Loss and Deafness, DFNB1; GJB2-Related Autosomal Recessive Nonsyndromic Hearing Loss. Identifiers: Orphanet 90636, MedGen C2673759, MONDO:0009076, OMIM 220290.
Autosomal recessive nonsyndromic hearing loss 1B. Also called: DEAFNESS, AUTOSOMAL RECESSIVE 1B. Identifiers: Orphanet 90636, MedGen C2675235, MONDO:0012977, OMIM 612645.
Hidrotic ectodermal dysplasia syndrome (GJB6). Also called: CLOUSTON HIDROTIC ECTODERMAL DYSPLASIA; Ectodermal dysplasia 2, hidrotic; Autosomal dominant hidrotic ectodermal dysplasia; Clouston syndrome; Clouston's hidrotic ectodermal dysplasia; ECTODERMAL DYSPLASIA 2, CLOUSTON TYPE. Identifiers: Orphanet 189, MedGen C0162361, MONDO:0007510, OMIM 129500.

Allele frequency attached by ClinVar (database versions not stated): ExAC 0.00001; TOPMed below 0.00001.
gnomAD v4.1: 17 of 1,613,334 alleles (0.0011%); highest among the groups gnomAD compares: South Asian, 0.0055%; no homozygotes.

Submission:

Labcorp Genetics (formerly Invitae), Labcorp
Classification: Uncertain significance for Autosomal dominant nonsyndromic hearing loss 3B; Hidrotic ectodermal dysplasia syndrome; Autosomal recessive nonsyndromic hearing loss 1B; Autosomal recessive nonsyndromic hearing loss 1A. Last evaluated: 2024-04-08. Review status: criteria provided, single submitter. Criteria: Invitae Variant Classification Sherloc (09022015). Collection method: clinical testing. Allele origin: germline.
Comment: This sequence change creates a premature translational stop signal (p.Arg143*) in the GJB6 gene. While this is not anticipated to result in nonsense mediated decay, it is expected to disrupt the last 119 amino acid(s) of the GJB6 protein. This variant is present in population databases (rs749296000, gnomAD 0.006%). This variant has not been reported in the literature in individuals affected with GJB6-related conditions. In summary, the available evidence is currently insufficient to determine the role of this variant in disease. Therefore, it has been classified as a Variant of Uncertain Significance.

NM_001110219.3(GJB6):c.427C>T (p.Arg143Ter)

Gene: GJB6 (gap junction protein beta 6; minus strand). Cytogenetic location: 13q12.11.
Variant type: single nucleotide variant.
Coding change: c.427C>T on transcript NM_001110219.3 (MANE Select); coding-DNA position 427, C replaced by T.
Protein change: p.Arg143Ter; replaces arginine 143 with a stop codon.
Molecular consequence: nonsense.
Genome position (GRCh38, 1-based): chr13:20,223,054, G>A on the plus strand (C>T on the coding strand, the complement: GJB6 is on the minus strand). VCF-style: chr13-20223054-G-A. GRCh37 (hg19) VCF-style: chr13-20797193-G-A.
Other names: c.427C>T, p.Arg143Ter (NM_001110220.3, NM_001110221.3, NM_001370090.1 and 3 more transcripts); short protein forms R143*.
Identifiers: ClinVar variation 2933778 (VCV002933778.3), dbSNP rs749296000, ClinGen allele CA6904443.
Genomic context (GRCh38, chr13:20,223,054, plus strand): 5'-GGTGGTACCCATTGTAAAGGAAGTAAAACACATACATAAAGGCTGCTTCAAAGATGATTC[G>A]GAAAAAGATGCTGCTGGTGTACGTCCACCACAGCGACCCCTCTATCCGAACCTTCTGCTT-3'